The following is an entry in ClinVar:

NM_018006.5(TRMU):c.707del (p.Tyr236fs)

Gene: TRMU (tRNA mitochondrial 2-thiouridylase; plus strand). Cytogenetic location: 22q13.31.
Variant type: Deletion.
Coding change: c.707del on transcript NM_018006.5 (MANE Select); coding-DNA position 707, one base deleted (A; older notation c.707delA).
Protein change: p.Tyr236fs; shifts the reading frame from tyrosine 236.
Molecular consequence: frameshift variant. On other transcripts: non-coding transcript variant (2).
Genome position (GRCh38, 1-based): chr22:46,352,265, A deleted. VCF-style (leftmost placement, unchanged base first): chr22-46352264-TA-T. GRCh37 (hg19) VCF-style: chr22-46748161-TA-T.
Other names: c.365del, p.Tyr122fs (NM_001282782.2); c.287del, p.Tyr96fs (NM_001282783.2, NM_001282784.2); c.707del, p.Tyr236fs (NM_001282785.2); short protein forms Y122fs, Y236fs, Y96fs.
Identifiers: ClinVar variation 3645117 (VCV003645117.2).
Genomic context (GRCh38, chr22:46,352,264, plus strand): 5'-GGGGCTGCGTGTCTGCCCTGGGCCTAGATCTCCGTCGGTAATGACATGTTTGTTTTCCAG[TA>T]TCTGCAGCCTCGACCTGGTCACTTTATTTCCATAGAAGACAATAAGGTTCTGGGAACACA-3'

ClinVar aggregate classification (germline): Pathogenic (1 of 4 stars; one submission).

Submission:

Labcorp Genetics (formerly Invitae), Labcorp
Classification: Pathogenic. Last evaluated: 2024-03-08. Review status: criteria provided, single submitter. Criteria: Invitae Variant Classification Sherloc (09022015). Collection method: clinical testing. Allele origin: germline.
Comment: This sequence change creates a premature translational stop signal (p.Tyr236Phefs*12) in the TRMU gene. It is expected to result in an absent or disrupted protein product. Loss-of-function variants in TRMU are known to be pathogenic (PMID: 19732863, 23625533). This variant is not present in population databases (gnomAD no frequency). This variant has not been reported in the literature in individuals affected with TRMU-related conditions. For these reasons, this variant has been classified as Pathogenic.

Literature cited by the submitters: PubMed 19732863; PubMed 23625533.